The following is an entry in ClinVar:

NM_001365088.1(SLC12A6):c.316+8A>T

Gene: SLC12A6 (solute carrier family 12 member 6; minus strand). Cytogenetic location: 15q14.
Variant type: single nucleotide variant.
Coding change: c.316+8A>T on transcript NM_001365088.1 (MANE Select); 8 bases into the intron after coding-DNA position 316, A replaced by T.
Molecular consequence: intron variant.
Genome position (GRCh38, 1-based): chr15:34,275,337, T>A on the plus strand (A>T on the coding strand, the complement: SLC12A6 is on the minus strand). VCF-style: chr15-34275337-T-A. GRCh37 (hg19) VCF-style: chr15-34567538-T-A.
Other names: c.139+8A>T (NM_001042495.2, NM_001042494.2); c.289+8A>T (NM_001042496.2); c.272-14317A>T (NM_001042497.2); c.316+8A>T (NM_133647.2); c.163+8A>T (NM_005135.2).
Identifiers: ClinVar variation 390763 (VCV000390763.8), dbSNP rs1057523886, ClinGen allele CA16607766.

ClinVar aggregate classification (germline): Likely benign. Review status: criteria provided, multiple submitters, no conflicts (2 of 4 stars). 2 submissions from 2 submitters: Likely benign (2). Last evaluated 2022-12-17.

Allele frequency attached by ClinVar (database versions not stated): gnomAD exomes below 0.00001.
gnomAD v4.1: 3 of 1,424,712 alleles (0.00021%); highest among the groups gnomAD compares: Non-Finnish European, 0.0003%; no homozygotes.

Submissions (2):

Labcorp Genetics (formerly Invitae), Labcorp
Classification: Likely benign. Last evaluated: 2022-12-17. Review status: criteria provided, single submitter. Criteria: Invitae Variant Classification Sherloc (09022015). Collection method: clinical testing. Allele origin: germline.

GeneDx
Classification: Likely benign. Last evaluated: 2016-11-08. Review status: criteria provided, single submitter. Criteria: GeneDx Variant Classification (06012015). Collection method: clinical testing. Allele origin: germline. Affected: yes.
Comment: This variant is considered likely benign or benign based on one or more of the following criteria: it is a conservative change, it occurs at a poorly conserved position in the protein, it is predicted to be benign by multiple in silico algorithms, and/or has population frequency not consistent with disease.